The following is an entry in ClinVar:

NM_000186.4(CFH):c.901del (p.Ala301fs)

Gene: CFH (complement factor H; plus strand). Cytogenetic location: 1q31.3.
Variant type: Deletion.
Coding change: c.901del on transcript NM_000186.4 (MANE Select); coding-DNA position 901, one base deleted (G; older notation c.901delG).
Protein change: p.Ala301fs; shifts the reading frame from alanine 301.
Molecular consequence: frameshift variant.
Genome position (GRCh38, 1-based): chr1:196,685,174, G deleted. VCF-style (leftmost placement, unchanged base first): chr1-196685173-TG-T. GRCh37 (hg19) VCF-style: chr1-196654303-TG-T.
Other names: c.901del, p.Ala301fs (NM_001014975.3); short protein forms A301fs.
Identifiers: ClinVar variation 4291652 (VCV004291652.1).
Genomic context (GRCh38, chr1:196,685,173, plus strand): 5'-AAGGATTAAACACAGAACTGGAGATGAAATCACGTACCAGTGTAGAAATGGTTTTTATCC[TG>T]CAACCCGGGGAAATACAGCAAAATGCACAAGTACTGGCTGGATACCTGCTCCGAGATGTA-3'

ClinVar aggregate classification (germline): Pathogenic (1 of 4 stars; one submission).

Conditions:
Age related macular degeneration 4. Identifiers: MedGen C1853147, MONDO:0012540, OMIM 610698.

Submission:

Genomenon, Inc
Classification: Pathogenic for Age related macular degeneration 4. Last evaluated: 2025-10-02. Review status: criteria provided, single submitter. Criteria: Genomenon Sequence Variant Interpretation Standards - Updated. Collection method: curation. Allele origin: germline. Affected: yes.
Comment: CFH p.Ala301GlnfsTer22 (c.901del) is a frameshift variant that results in the production of a truncated protein which is predicted to undergo nonsense-mediated mRNA decay. This variant has been observed in at least one proband affected with age-related macular degeneration (PMID:36246952). The variant was found to segregate with disease in at least one affected family (PMID:36246952). It is absent or not present at a significant frequency in gnomAD. In conclusion, we classify CFH p.Ala301GlnfsTer22 (c.901del) as a pathogenic variant.

Literature cited by the submitters: PubMed 36246952.